The following is an entry in ClinVar:

NM_000288.4(PEX7):c.803+105A>C

Gene: PEX7 (peroxisomal biogenesis factor 7; plus strand). Cytogenetic location: 6q23.3.
Variant type: single nucleotide variant.
Coding change: c.803+105A>C on transcript NM_000288.4 (MANE Select); 105 bases into the intron after coding-DNA position 803, A replaced by C.
Molecular consequence: intron variant.
Genome position (GRCh38, 1-based): chr6:136,872,358, A>C. VCF-style: chr6-136872358-A-C. GRCh37 (hg19) VCF-style: chr6-137193496-A-C.
Identifiers: ClinVar variation 675149 (VCV000675149.4), dbSNP rs72985582, ClinGen allele CA16281212.

ClinVar aggregate classification (germline): Benign. Review status: criteria provided, multiple submitters, no conflicts (2 of 4 stars). 3 submissions from 2 submitters: Benign (3). Last evaluated 2021-07-10.

Conditions:
Rhizomelic chondrodysplasia punctata type 1 (RCDP1). Also called: CHONDRODYSTROPHIA CALCIFICANS PUNCTATA; PEX7-Related Rhizomelic Chondrodysplasia Punctata; PEROXISOME BIOGENESIS DISORDER 9. Identifiers: Orphanet 177, Orphanet 309789, MedGen C1859133, MONDO:0008972, OMIM 215100. Disease mechanism: loss of function.
Peroxisome biogenesis disorder 9B. Also called: PEX7-Related Refsum Disease; Refsum disease, adult, 2; PEROXISOME BIOGENESIS DISORDER, PEX7-RELATED, ATYPICAL. Identifiers: Orphanet 773, MedGen C2749346, MONDO:0013945, OMIM 614879.

Allele frequency attached by ClinVar (database versions not stated): 1000 Genomes Project 0.03115; 1000 Genomes Project 30x 0.03154; TOPMed 0.03704; gnomAD 0.04223 and 0.04283; gnomAD exomes 0.05360.
gnomAD v4.1: 42,705 of 831,354 alleles (5.1%); highest among the groups gnomAD compares: Non-Finnish European, 6.1%; 1,383 homozygotes.

Submissions (3):

Genome-Nilou Lab
Classification: Benign for Peroxisome biogenesis disorder 9B. Last evaluated: 2021-07-10. Review status: criteria provided, single submitter. Criteria: ACMG Guidelines, 2015. Collection method: clinical testing. Allele origin: germline. Affected: no.

Genome-Nilou Lab
Classification: Benign for Rhizomelic chondrodysplasia punctata type 1. Last evaluated: 2021-07-10. Review status: criteria provided, single submitter. Criteria: ACMG Guidelines, 2015. Collection method: clinical testing. Allele origin: germline. Affected: no.

GeneDx
Classification: Benign. Last evaluated: 2018-06-19. Review status: criteria provided, single submitter. Criteria: GeneDx Variant Classification (06012015). Collection method: clinical testing. Allele origin: germline. Affected: yes.
Comment: This variant is considered likely benign or benign based on one or more of the following criteria: it is a conservative change, it occurs at a poorly conserved position in the protein, it is predicted to be benign by multiple in silico algorithms, and/or has population frequency not consistent with disease.